The following is an entry in ClinVar:

ClinVar aggregate classification (germline): Likely benign. Review status: criteria provided, multiple submitters, no conflicts (2 of 4 stars). 2 submissions from 2 submitters: Likely benign (2). Last evaluated 2024-11-12.

Conditions:
PKHD1-related disorder. Also called: PKHD1-related condition.
Autosomal recessive polycystic kidney disease (ARPKD). Also called: AR polycystic kidney disease. Identifiers: Orphanet 731, Orphanet 8378, MedGen C0085548, MeSH D017044, MONDO:0009889.

Allele frequency attached by ClinVar (database versions not stated): gnomAD exomes below 0.00001; ExAC 0.00001; TOPMed 0.00008.
gnomAD v4.1: 11 of 1,613,946 alleles (0.00068%); highest among the groups gnomAD compares: Admixed American, 0.0017%; no homozygotes.

Submissions (2):

PreventionGenetics, part of Exact Sciences
Classification: Likely benign for PKHD1-related condition. Last evaluated: 2024-11-12. Review status: criteria provided, single submitter. Criteria: ACMG Guidelines, 2015. Collection method: clinical testing. Allele origin: germline.
Comment: This variant is classified as likely benign based on ACMG/AMP sequence variant interpretation guidelines (Richards et al. 2015 PMID: 25741868, with internal and published modifications).

Labcorp Genetics (formerly Invitae), Labcorp
Classification: Likely benign for Autosomal recessive polycystic kidney disease. Last evaluated: 2024-01-11. Review status: criteria provided, single submitter. Criteria: Invitae Variant Classification Sherloc (09022015). Collection method: clinical testing. Allele origin: germline.

NM_138694.4(PKHD1):c.4785C>T (p.Gly1595=)

Genes: PKHD1 (PKHD1 ciliary IPT domain containing fibrocystin/polyductin; minus strand), LOC126859690 (MED14-independent group 3 enhancer GRCh37_chr6:51888848-51890047; plus strand). Cytogenetic location: 6p12.2.
Variant type: single nucleotide variant.
Coding change: c.4785C>T on transcript NM_138694.4 (MANE Select); coding-DNA position 4785, C replaced by T.
Protein change: p.Gly1595=; no amino-acid change (glycine 1595 retained).
Molecular consequence: synonymous variant.
Genome position (GRCh38, 1-based): chr6:52,025,025, G>A on the plus strand (C>T on the coding strand, the complement: PKHD1 is on the minus strand). VCF-style: chr6-52025025-G-A. GRCh37 (hg19) VCF-style: chr6-51889823-G-A.
Other names: c.4785C>T (NM_138694.3); c.4785C>T, p.Gly1595= (NM_170724.3).
Identifiers: ClinVar variation 2068187 (VCV002068187.5), dbSNP rs774669003, ClinGen allele CA3852669.
Genomic context (GRCh38, chr6:52,025,025, plus strand): 5'-CGTCAGGCAGGTCTGCTGGTCAATATAGACTGACGTGGTGTTCTGTCCTCTCAGGCCTGT[G>A]CCCTCTATGGTCAAGAGGCTTCCACCATGTAAGCTGAAATTCTTAGGAAAATAATGAAAC-3'
Protein context (NP_619639.3, residues 1585-1605): LHGGSLLTIE[Gly1595=]TGLRGQNTTS